The following is an entry in ClinVar:

ClinVar aggregate classification (germline): Uncertain significance. Review status: criteria provided, multiple submitters, no conflicts (2 of 4 stars). 2 submissions from 2 submitters: Uncertain significance (2). Last evaluated 2024-04-29.

Conditions:
RECQL4-related disorder. Also called: RECQL4-related condition; RECQL4-related disorders.
Baller-Gerold syndrome (BGS). Also called: CRANIOSYNOSTOSIS WITH RADIAL DEFECTS. Identifiers: Orphanet 1225, MedGen C0265308, MONDO:0009039, OMIM 218600.

Allele frequency attached by ClinVar (database versions not stated): gnomAD exomes below 0.00001 and 0.00001; TOPMed below 0.00001; gnomAD 0.00001.
gnomAD v4.1: 20 of 1,612,464 alleles (0.0012%); highest among the groups gnomAD compares: Non-Finnish European, 0.0016%; no homozygotes.

Submissions (2):

Labcorp Genetics (formerly Invitae), Labcorp
Classification: Uncertain significance for Baller-Gerold syndrome. Last evaluated: 2024-04-29. Review status: criteria provided, single submitter. Criteria: Invitae Variant Classification Sherloc (09022015). Collection method: clinical testing. Allele origin: germline.
Comment: This sequence change replaces valine, which is neutral and non-polar, with methionine, which is neutral and non-polar, at codon 968 of the RECQL4 protein (p.Val968Met). The frequency data for this variant in the population databases is considered unreliable, as metrics indicate poor data quality at this position in the gnomAD database. This variant has not been reported in the literature in individuals affected with RECQL4-related conditions. ClinVar contains an entry for this variant (Variation ID: 407027). Advanced modeling of protein sequence and biophysical properties (such as structural, functional, and spatial information, amino acid conservation, physicochemical variation, residue mobility, and thermodynamic stability) performed at Invitae indicates that this missense variant is not expected to disrupt RECQL4 protein function with a negative predictive value of 80%. In summary, the available evidence is currently insufficient to determine the role of this variant in disease. Therefore, it has been classified as a Variant of Uncertain Significance.

PreventionGenetics, part of Exact Sciences
Classification: Uncertain significance for RECQL4-related condition. Last evaluated: 2023-05-27. Review status: criteria provided, single submitter. Criteria: ACMG Guidelines, 2015. Collection method: clinical testing. Allele origin: germline.
Comment: The RECQL4 c.2902G>A variant is predicted to result in the amino acid substitution p.Val968Met. To our knowledge, this variant has not been reported in the literature. This variant is reported in 0.00090% of alleles in individuals of European (Non-Finnish) descent in gnomAD, and is interpreted as uncertain significance in ClinVar. At this time, the clinical significance of this variant is uncertain due to the absence of conclusive functional and genetic evidence.

NM_004260.4(RECQL4):c.2902G>A (p.Val968Met)

Gene: RECQL4 (RecQ like helicase 4; minus strand). Cytogenetic location: 8q24.3.
Variant type: single nucleotide variant.
Coding change: c.2902G>A on transcript NM_004260.4 (MANE Select); coding-DNA position 2902, G replaced by A.
Protein change: p.Val968Met; replaces valine 968 with methionine.
Molecular consequence: missense variant.
Genome position (GRCh38, 1-based): chr8:144,512,545, C>T on the plus strand (G>A on the coding strand, the complement: RECQL4 is on the minus strand). VCF-style: chr8-144512545-C-T. GRCh37 (hg19) VCF-style: chr8-145737928-C-T.
Other names: short protein forms V968M.
Identifiers: ClinVar variation 407027 (VCV000407027.9), dbSNP rs1060501382, ClinGen allele CA16612376.